The following is an entry in ClinVar:

NM_000271.5(NPC1):c.1421C>T (p.Pro474Leu)

Gene: NPC1 (NPC intracellular cholesterol transporter 1; minus strand). Cytogenetic location: 18q11.2.
Variant type: single nucleotide variant.
Coding change: c.1421C>T on transcript NM_000271.5 (MANE Select); coding-DNA position 1421, C replaced by T.
Protein change: p.Pro474Leu; replaces proline 474 with leucine.
Molecular consequence: missense variant.
Genome position (GRCh38, 1-based): chr18:23,554,890, G>A on the plus strand (C>T on the coding strand, the complement: NPC1 is on the minus strand). VCF-style: chr18-23554890-G-A. GRCh37 (hg19) VCF-style: chr18-21134854-G-A.
Other names: short protein forms P474L.
Identifiers: ClinVar variation 374049 (VCV000374049.14), dbSNP rs372445155, ClinGen allele CA8913468.
Genomic context (GRCh38, chr18:23,554,890, plus strand): 5'-ACGGAATGGCTGTTCTGGAAGTAATTTAACACACTCAAAATGGTGCAGTTCGTGTTATAC[G>A]GTGAAAGAGGGGCCAAGCAGATGTCTTGAAGTGTCACAGTCTCATTGTCATAAGAGGCAG-3'
Protein context (NP_000262.2, residues 464-484): LQDICLAPLS[Pro474Leu]YNTNCTILSV

ClinVar aggregate classification (germline): Pathogenic. Review status: criteria provided, multiple submitters, no conflicts (2 of 4 stars). 4 submissions from 4 submitters: Pathogenic (4). Last evaluated 2025-09-04.

Conditions:
Cataplexy. Identifiers: MedGen C0007384, HP:0002524.
Cerebellar ataxia. Identifiers: Orphanet 102002, MedGen C0007758, MONDO:0000437.
Postural instability. Identifiers: MedGen C1843921, HP:0002172.
Speech apraxia. Identifiers: MedGen C0264611, HP:0011098.
Headache. Also called: Headaches. Identifiers: MedGen C0018681, HP:0002315.
Cognitive impairment. Also called: cognitive deficit. Identifiers: MedGen C0338656, HP:0100543.
Niemann-Pick disease, type C1. Also called: NEUROVISCERAL STORAGE DISEASE WITH VERTICAL SUPRANUCLEAR OPHTHALMOPLEGIA; NIEMANN-PICK DISEASE WITH CHOLESTEROL ESTERIFICATION BLOCK; NIEMANN-PICK DISEASE WITHOUT SPHINGOMYELINASE DEFICIENCY; NIEMANN-PICK DISEASE, CHRONIC NEURONOPATHIC FORM; NIEMANN-PICK DISEASE, VARIANT TYPE C1. Identifiers: Orphanet 646, MedGen C3179455, MONDO:0009757, OMIM 257220.

Allele frequency attached by ClinVar (database versions not stated): gnomAD 0.00002; gnomAD exomes 0.00002; ExAC 0.00003; TOPMed 0.00003; ESP Exome Variant Server 0.00008.
gnomAD v4.1: 25 of 1,613,884 alleles (0.0015%); highest among the groups gnomAD compares: East Asian, 0.0022%; no homozygotes.

Submissions (4):

Natera, Inc.
Classification: Pathogenic for Niemann-Pick disease type C1. Last evaluated: 2025-09-04. Review status: criteria provided, single submitter. Criteria: Natera Variant Classification Schema (03/2026). Collection method: clinical testing. Allele origin: germline.
Comment: The c.1421C>T variant in NPC1 is a missense variant predicted to cause substitution of proline to leucine at amino acid 474. This variant is rare in the general population with a frequency below the threshold expected for the associated phenotype(s). This variant has been observed in one or more individuals affected with the associated recessive disease, as either homozygous or compound heterozygous with a second variant (PMID: 26981555, 22326530, 31743419, 28332184). Given the available evidence, this variant is classified as Pathogenic.

Labcorp Genetics (formerly Invitae), Labcorp
Classification: Pathogenic for Niemann-Pick disease, type C1. Last evaluated: 2025-04-22. Review status: criteria provided, single submitter. Criteria: Invitae Variant Classification Sherloc (09022015). Collection method: clinical testing. Allele origin: germline.
Comment: This sequence change replaces proline, which is neutral and non-polar, with leucine, which is neutral and non-polar, at codon 474 of the NPC1 protein (p.Pro474Leu). This variant is present in population databases (rs372445155, gnomAD 0.007%). This missense change has been observed in individual(s) with Niemann-Pick type C (PMID: 12401890, 16086131, 16098014). In at least one individual the data is consistent with being in trans (on the opposite chromosome) from a pathogenic variant. ClinVar contains an entry for this variant (Variation ID: 374049). Invitae Evidence Modeling of protein sequence and biophysical properties (such as structural, functional, and spatial information, amino acid conservation, physicochemical variation, residue mobility, and thermodynamic stability) indicates that this missense variant is expected to disrupt NPC1 protein function with a positive predictive value of 95%. For these reasons, this variant has been classified as Pathogenic.

GeneDx
Classification: Pathogenic. Last evaluated: 2024-01-08. Review status: criteria provided, single submitter. Criteria: GeneDx Variant Classification Process June 2021. Collection method: clinical testing. Allele origin: germline. Affected: yes.
Comment: Not observed at significant frequency in large population cohorts (gnomAD); In silico analysis supports that this missense variant has a deleterious effect on protein structure/function; This variant is associated with the following publications: (PMID: 12401890, 16086131, 34426522, 31743419, 33598405, 30119649, 35892469, 32138288)

Centre for Mendelian Genomics, University Medical Centre Ljubljana
Classification: Pathogenic for Ataxia; Cataplexy; Cognitive impairment; Headache; Postural instability; Speech apraxia. Last evaluated: 2014-10-07. Review status: criteria provided, single submitter. Criteria: ACMG Guidelines, 2015. Collection method: clinical testing. Allele origin: unknown. Affected: yes.

Literature cited by the submitters: PubMed 26981555 (cited by Natera, Inc.); PubMed 22326530 (cited by Natera, Inc.); PubMed 31743419 (cited by Natera, Inc.); PubMed 28332184 (cited by Natera, Inc.); PubMed 12401890 (cited by Labcorp Genetics (formerly Invitae), Labcorp); PubMed 16086131 (cited by Labcorp Genetics (formerly Invitae), Labcorp); PubMed 16098014 (cited by Labcorp Genetics (formerly Invitae), Labcorp).